The following is an entry in ClinVar:

NM_019055.6(ROBO4):c.1702C>T (p.Arg568Ter)

Gene: ROBO4 (roundabout guidance receptor 4; minus strand). Cytogenetic location: 11q24.2.
Variant type: single nucleotide variant.
Coding change: c.1702C>T on transcript NM_019055.6 (MANE Select); coding-DNA position 1702, C replaced by T.
Protein change: p.Arg568Ter; replaces arginine 568 with a stop codon.
Molecular consequence: nonsense.
Genome position (GRCh38, 1-based): chr11:124,891,545, G>A on the plus strand (C>T on the coding strand, the complement: ROBO4 is on the minus strand). VCF-style: chr11-124891545-G-A. GRCh37 (hg19) VCF-style: chr11-124761441-G-A.
Other names: c.1267C>T, p.Arg423Ter (NM_001301088.2); short protein forms R568*, R423*.
Identifiers: ClinVar variation 560398 (VCV000560398.7), dbSNP rs201492213, ClinGen allele CA6344833.

ClinVar aggregate classification (germline): Conflicting classifications of pathogenicity. Review status: criteria provided, conflicting classifications (1 of 4 stars). 4 submissions from 4 submitters: Likely pathogenic (1); Uncertain significance (3). Last evaluated 2025-05-23.

Conditions:
ROBO4-related disorder. Also called: ROBO4-related condition.
Bicuspid aortic valve. Identifiers: MedGen C0149630, HP:0001647.
Ascending tubular aorta aneurysm. Also called: Ascending aortic dilation; Dilatation of the ascending aorta; Ascending aortic aneurysm. Identifiers: MedGen C0856747, HP:0004970.
Aortic valve disease 3. Identifiers: MedGen C5193127, MONDO:0032783, OMIM 618496.

Allele frequency attached by ClinVar (database versions not stated): gnomAD 0.00004 and 0.00003; ESP Exome Variant Server 0.00008; TOPMed 0.00004; gnomAD exomes 0.00008 and 0.00006; ExAC 0.00010.
gnomAD v4.1: 92 of 1,614,084 alleles (0.0057%); highest among the groups gnomAD compares: Middle Eastern, 0.016%; no homozygotes.

Submissions (4):

Revvity Omics, Revvity
Classification: Uncertain significance for Aortic valve disease 3. Last evaluated: 2025-05-23. Review status: criteria provided, single submitter. Criteria: ACMG Guidelines, 2015. Collection method: clinical testing. Allele origin: germline.

PreventionGenetics, part of Exact Sciences
Classification: Uncertain significance for ROBO4-related condition. Last evaluated: 2022-11-15. Review status: criteria provided, single submitter. Criteria: ACMG Guidelines, 2015. Collection method: clinical testing. Allele origin: germline.
Comment: The ROBO4 c.1702C>T variant is predicted to result in premature protein termination (p.Arg568*). This variant was reported in an individual with Bicuspid aortic valve & thoracic aortic aneurysm (Gould et al 2019. PubMed ID: 30455415). This variant is reported in 0.016% of alleles in individuals of European (Non-Finnish) descent in gnomAD. At this time, the clinical significance of this variant is uncertain due to the absence of conclusive functional and genetic evidence.

Baylor-Hopkins Center for Mendelian Genomics, Johns Hopkins University School of Medicine
Classification: Likely pathogenic for Bicuspid aortic valve; Dilatation of ascending aorta. Review status: criteria provided, single submitter. Criteria: Gould et al., Nature Genet 2019. Collection method: research. Allele origin: unknown. Affected: yes. Observed: 1 variant allele.

Juno Genomics, Hangzhou Juno Genomics, Inc
Classification: Uncertain significance for Aortic valve disease 3. Review status: criteria provided, single submitter. Criteria: ACMG Guidelines, 2015. Collection method: clinical testing. Allele origin: germline. Affected: yes.
Comment: Absent from controls (or at extremely low frequency if recessive) in Genome Aggregation Database, Exome Sequencing Project, 1000 Genomes Project, or Exome Aggregation Consortium.;The prevalence of the variant in affected individuals is significantly increased compared to the prevalence in controls.